The following is an entry in ClinVar:

NM_002250.3(KCNN4):c.918G>A (p.Gln306=)

Gene: KCNN4 (potassium calcium-activated channel subfamily N member 4; minus strand). Cytogenetic location: 19q13.31.
Variant type: single nucleotide variant.
Coding change: c.918G>A on transcript NM_002250.3 (MANE Select); coding-DNA position 918, G replaced by A.
Protein change: p.Gln306=; no amino-acid change (glutamine 306 retained).
Molecular consequence: synonymous variant.
Genome position (GRCh38, 1-based): chr19:43,769,731, C>T on the plus strand (G>A on the coding strand, the complement: KCNN4 is on the minus strand). VCF-style: chr19-43769731-C-T. GRCh37 (hg19) VCF-style: chr19-44273883-C-T.
Identifiers: ClinVar variation 2650070 (VCV002650070.24), dbSNP rs934197634, ClinGen allele CA308792267.

ClinVar aggregate classification (germline): Likely benign (1 of 4 stars; one submission).

Allele frequency attached by ClinVar (database versions not stated): gnomAD exomes below 0.00001; TOPMed below 0.00001; gnomAD 0.00001.
gnomAD v4.1: 6 of 1,613,252 alleles (0.00037%); highest among the groups gnomAD compares: Non-Finnish European, 0.00051%; no homozygotes.

Submission:

CeGaT Center for Human Genetics Tuebingen
Classification: Likely benign. Last evaluated: 2023-03-01. Review status: criteria provided, single submitter. Criteria: CeGaT Center For Human Genetics Tuebingen Variant Classification Criteria Version 2. Collection method: clinical testing. Allele origin: germline. Affected: yes. Observed: 1 variant allele.
Comment: KCNN4: BP4, BP7